The following is an entry in ClinVar:

NM_000113.3(TOR1A):c.179-3C>T

Gene: TOR1A (torsin family 1 member A; minus strand). Cytogenetic location: 9q34.11.
Variant type: single nucleotide variant.
Coding change: c.179-3C>T on transcript NM_000113.3 (MANE Select); 3 bases into the intron before coding-DNA position 179, C replaced by T.
Molecular consequence: intron variant.
Genome position (GRCh38, 1-based): chr9:129,822,849, G>A on the plus strand (C>T on the coding strand, the complement: TOR1A is on the minus strand). VCF-style: chr9-129822849-G-A. GRCh37 (hg19) VCF-style: chr9-132585128-G-A.
Identifiers: ClinVar variation 1016421 (VCV001016421.8), dbSNP rs1564185026, ClinGen allele CA1880968859.

ClinVar aggregate classification (germline): Uncertain significance (1 of 4 stars; one submission).

Conditions:
Dystonic disorder. Also called: Dystonia. Identifiers: MedGen C0013421, MONDO:0003441, HP:0001332.

Allele frequency attached by ClinVar (database versions not stated): gnomAD exomes below 0.00001.

Submission:

Labcorp Genetics (formerly Invitae), Labcorp
Classification: Uncertain significance for Dystonic disorder. Last evaluated: 2020-07-16. Review status: criteria provided, single submitter. Criteria: Invitae Variant Classification Sherloc (09022015). Collection method: clinical testing. Allele origin: germline.
Comment: In summary, the available evidence is currently insufficient to determine the role of this variant in disease. Therefore, it has been classified as a Variant of Uncertain Significance. Nucleotide substitutions within the consensus splice site are a relatively common cause of aberrant splicing (PMID: 17576681, 9536098). Algorithms developed to predict the effect of sequence changes on RNA splicing suggest that this variant is not likely to affect RNA splicing, but this prediction has not been confirmed by published transcriptional studies. This variant has not been reported in the literature in individuals with TOR1A-related conditions. This variant is not present in population databases (ExAC no frequency). This sequence change falls in intron 1 of the TOR1A gene. It does not directly change the encoded amino acid sequence of the TOR1A protein, but it affects a nucleotide within the consensus splice site of the intron.

Literature cited by the submitters: PubMed 17576681; PubMed 9536098.